The following is an entry in ClinVar:

NM_001371904.1(APOA5):c.628C>T (p.His210Tyr)

Gene: APOA5 (apolipoprotein A5; minus strand). Cytogenetic location: 11q23.3.
Variant type: single nucleotide variant.
Coding change: c.628C>T on transcript NM_001371904.1 (MANE Select); coding-DNA position 628, C replaced by T.
Protein change: p.His210Tyr; replaces histidine 210 with tyrosine.
Molecular consequence: missense variant.
Genome position (GRCh38, 1-based): chr11:116,790,601, G>A on the plus strand (C>T on the coding strand, the complement: APOA5 is on the minus strand). VCF-style: chr11-116790601-G-A. GRCh37 (hg19) VCF-style: chr11-116661317-G-A.
Other names: c.628C>T, p.His210Tyr (NM_001166598.2, NM_052968.5); short protein forms H210Y.
Identifiers: ClinVar variation 3228887 (VCV003228887.1), dbSNP rs2540244375, ClinGen allele CA382737731.

ClinVar aggregate classification (germline): Uncertain significance (1 of 4 stars; one submission).

Conditions:
Cardiovascular phenotype. Identifiers: MedGen CN230736.

Submission:

Ambry Genetics
Classification: Uncertain significance for Cardiovascular phenotype. Last evaluated: 2023-10-20. Review status: criteria provided, single submitter. Criteria: Ambry Variant Classification Scheme 2023. Collection method: clinical testing. Allele origin: germline.
Comment: The p.H210Y variant (also known as c.628C>T), located in coding exon 3 of the APOA5 gene, results from a C to T substitution at nucleotide position 628. The histidine at codon 210 is replaced by tyrosine, an amino acid with similar properties. This amino acid position is conserved. In addition, the in silico prediction for this alteration is inconclusive. Since supporting evidence is limited at this time, the clinical significance of this alteration remains unclear.